The following is an entry in ClinVar:

NM_001367721.1(CASK):c.1314+3A>G

Gene: CASK (calcium/calmodulin dependent serine protein kinase; minus strand). Cytogenetic location: Xp11.4.
Variant type: single nucleotide variant.
Coding change: c.1314+3A>G on transcript NM_001367721.1 (MANE Select); 3 bases into the intron after coding-DNA position 1314, A replaced by G.
Molecular consequence: intron variant.
Genome position (GRCh38, 1-based): chrX:41,586,904, T>C on the plus strand (A>G on the coding strand, the complement: CASK is on the minus strand). VCF-style: chrX-41586904-T-C. GRCh37 (hg19) VCF-style: chrX-41446157-T-C.
Other names: c.1296+3A>G (NM_001126055.3, NM_001410745.1); c.1314+3A>G (NM_001126054.3, NM_003688.4).
Identifiers: ClinVar variation 2153843 (VCV002153843.4), dbSNP rs1255482349, ClinGen allele CA641579472.

ClinVar aggregate classification (germline): Uncertain significance (1 of 4 stars; one submission).

Conditions:
Intellectual disability, CASK-related, X-linked. Identifiers: MedGen CN043158.

Allele frequency attached by ClinVar (database versions not stated): gnomAD 0.00001; gnomAD exomes 0.00001; TOPMed 0.00001.
gnomAD v4.1: 7 of 1,123,315 alleles (0.00062%); highest among the groups gnomAD compares: Admixed American, 0.0044%; no homozygotes.

Submission:

Labcorp Genetics (formerly Invitae), Labcorp
Classification: Uncertain significance for Intellectual disability, CASK-related, X-linked. Last evaluated: 2024-07-01. Review status: criteria provided, single submitter. Criteria: Invitae Variant Classification Sherloc (09022015). Collection method: clinical testing. Allele origin: germline.
Comment: This sequence change falls in intron 14 of the CASK gene. It does not directly change the encoded amino acid sequence of the CASK protein. It affects a nucleotide within the consensus splice site. This variant is present in population databases (no rsID available, gnomAD 0.004%). This variant has not been reported in the literature in individuals affected with CASK-related conditions. ClinVar contains an entry for this variant (Variation ID: 2153843). Variants that disrupt the consensus splice site are a relatively common cause of aberrant splicing (PMID: 17576681, 9536098). Algorithms developed to predict the effect of sequence changes on RNA splicing suggest that this variant is not likely to affect RNA splicing. In summary, the available evidence is currently insufficient to determine the role of this variant in disease. Therefore, it has been classified as a Variant of Uncertain Significance.

Literature cited by the submitters: PubMed 17576681; PubMed 9536098.